The following is an entry in ClinVar:

NM_020184.4(CNNM4):c.1948+1G>A

Gene: CNNM4 (cyclin and CBS domain divalent metal cation transport mediator 4; plus strand). Cytogenetic location: 2q11.2.
Variant type: single nucleotide variant.
Coding change: c.1948+1G>A on transcript NM_020184.4 (MANE Select); the canonical splice donor site of the intron after coding-DNA position 1948, G replaced by A.
Molecular consequence: splice donor variant.
Genome position (GRCh38, 1-based): chr2:96,799,649, G>A. VCF-style: chr2-96799649-G-A. GRCh37 (hg19) VCF-style: chr2-97465386-G-A.
Identifiers: ClinVar variation 1513220 (VCV001513220.6), dbSNP rs1180652454, ClinGen allele CA347705745.

ClinVar aggregate classification (germline): Likely pathogenic (1 of 4 stars; one submission).

gnomAD v4.1: 1 of 1,550,480 alleles (0.000064%); highest among the groups gnomAD compares: Non-Finnish European, 0.000087%; no homozygotes.

Submission:

Labcorp Genetics (formerly Invitae), Labcorp
Classification: Likely pathogenic. Last evaluated: 2021-10-20. Review status: criteria provided, single submitter. Criteria: Invitae Variant Classification Sherloc (09022015). Collection method: clinical testing. Allele origin: germline.
Comment: This sequence change affects a donor splice site in intron 5 of the CNNM4 gene. It is expected to disrupt RNA splicing. Variants that disrupt the donor or acceptor splice site typically lead to a loss of protein function (PMID: 16199547), and loss-of-function variants in CNNM4 are known to be pathogenic (PMID: 19200525). This variant is not present in population databases (gnomAD no frequency). This variant has not been reported in the literature in individuals affected with CNNM4-related conditions. Algorithms developed to predict the effect of sequence changes on RNA splicing suggest that this variant may disrupt the consensus splice site. In summary, the currently available evidence indicates that the variant is pathogenic, but additional data are needed to prove that conclusively. Therefore, this variant has been classified as Likely Pathogenic.

Literature cited by the submitters: PubMed 16199547; PubMed 19200525.